The following is an entry in ClinVar:

NM_001009944.3(PKD1):c.3094del (p.Ser1032fs)

Gene: PKD1 (polycystin 1, transient receptor potential channel interacting; minus strand). Cytogenetic location: 16p13.3.
Variant type: Deletion.
Coding change: c.3094del on transcript NM_001009944.3 (MANE Select); coding-DNA position 3094, one base deleted (T; older notation c.3094delT).
Protein change: p.Ser1032fs; shifts the reading frame from serine 1032.
Molecular consequence: frameshift variant.
Genome position (GRCh38, 1-based): chr16:2,112,855, A deleted on the plus strand (T on the coding strand, the reverse complement: PKD1 is on the minus strand). VCF-style (leftmost placement, unchanged base first): chr16-2112854-GA-G. GRCh37 (hg19) VCF-style: chr16-2162855-GA-G.
Other names: c.3094delT (NM_001009944.3); c.3094del, p.Ser1032fs (NM_000296.4); short protein forms S1032fs.
Identifiers: ClinVar variation 3902608 (VCV003902608.1).

ClinVar aggregate classification (germline): Pathogenic (1 of 4 stars; one submission).

Conditions:
Polycystic kidney disease, adult type (PKD1). Also called: Polycystic Kidney Disease 1, Autosomal Dominant; Polycystic kidney disease 1; Polycystic kidney disease 1, severe; Polycystic Kidney, Autosomal Dominant; POLYCYSTIC KIDNEY DISEASE 1 WITH OR WITHOUT POLYCYSTIC LIVER DISEASE; POLYCYSTIC KIDNEY DISEASE, ADULT, TYPE I. Identifiers: MedGen C3149841, MONDO:0008263, OMIM 173900.

Submission:

Women's Health and Genetics/Laboratory Corporation of America, LabCorp
Classification: Pathogenic for Polycystic kidney disease, adult type. Last evaluated: 2025-05-01. Review status: criteria provided, single submitter. Criteria: LabCorp Variant Classification Summary - May 2015. Collection method: clinical testing. Allele origin: germline.
Comment: Variant summary: PKD1 c.3094delT (p.Ser1032ProfsX6) results in a premature termination codon, predicted to cause a truncation of the encoded protein or absence of the protein due to nonsense mediated decay, which are commonly known mechanisms for disease. The variant was absent in 245846 control chromosomes. To our knowledge, no occurrence of c.3094delT in individuals affected with Polycystic Kidney Disease 1 and no experimental evidence demonstrating its impact on protein function have been reported. No submitters have cited clinical-significance assessments for this variant to ClinVar. Based on the evidence outlined above, the variant was classified as pathogenic.